The following is an entry in ClinVar:

NM_198173.3(GRHL3):c.1419G>A (p.Gly473=)

Gene: GRHL3 (grainyhead like transcription factor 3; plus strand). Cytogenetic location: 1p36.11.
Variant type: single nucleotide variant.
Coding change: c.1419G>A on transcript NM_198173.3 (MANE Select); coding-DNA position 1419, G replaced by A.
Protein change: p.Gly473=; no amino-acid change (glycine 473 retained).
Molecular consequence: synonymous variant.
Genome position (GRCh38, 1-based): chr1:24,343,025, G>A. VCF-style: chr1-24343025-G-A. GRCh37 (hg19) VCF-style: chr1-24669515-G-A.
Other names: c.1281G>A, p.Gly427= (NM_001195010.2); c.1434G>A, p.Gly478= (NM_021180.4); c.1419G>A, p.Gly473= (NM_198174.3).
Identifiers: ClinVar variation 4999466 (VCV004999466.1).

ClinVar aggregate classification (germline): Uncertain significance (1 of 4 stars; one submission).

Conditions:
GRHL3-related disorder. Also called: GRHL3-related condition.

gnomAD v4.1: 26 of 1,613,940 alleles (0.0016%); highest among the groups gnomAD compares: Middle Eastern, 0.016%; no homozygotes.

Submission:

PreventionGenetics, part of Exact Sciences
Classification: Uncertain significance for GRHL3-related condition. Last evaluated: 2025-07-18. Review status: criteria provided, single submitter. Criteria: ACMG Guidelines, 2015. Collection method: clinical testing. Allele origin: germline.
Comment: The GRHL3 c.1419G>A variant is not predicted to result in an amino acid change (p.=). This variant resides in the last nucleotide of exon 11 and based on available splicing prediction programs (Alamut Visual v1.6.1; SpliceAI, Jaganathan et al. 2019. PubMed ID: 30661751) it is predicted to weaken the consensus splice donor site. However, the use of computer prediction programs is not equivalent to functional evidence. To our knowledge, this variant has not been reported in the literature. This variant is reported in 0.0018% of alleles in individuals of European (Non-Finnish) descent in gnomAD. At this time, the clinical significance of this variant is uncertain due to the absence of conclusive functional and genetic evidence.